The following is an entry in ClinVar:

ClinVar aggregate classification (germline): Uncertain significance (1 of 4 stars; one submission).

Conditions:
BBS7-related disorder. Also called: BBS7-related condition.

Allele frequency attached by ClinVar (database versions not stated): gnomAD exomes below 0.00001; gnomAD 0.00005; TOPMed 0.00005; ESP Exome Variant Server 0.00008.

Submission:

PreventionGenetics, part of Exact Sciences
Classification: Uncertain significance for BBS7-related condition. Last evaluated: 2026-04-30. Review status: criteria provided, single submitter. Criteria: ACMG Guidelines, 2015. Collection method: clinical testing. Allele origin: germline.
Comment: The BBS7 c.227A>G variant is predicted to result in the amino acid substitution p.Asn76Ser. To our knowledge, this variant has not been reported in the literature. This variant is reported in 0.0056% of alleles in individuals of Latino descent in gnomAD. At this time, the clinical significance of this variant is uncertain due to the absence of conclusive functional and genetic evidence.

NM_176824.3(BBS7):c.227A>G (p.Asn76Ser)

Gene: BBS7 (Bardet-Biedl syndrome 7; minus strand). Cytogenetic location: 4q27.
Variant type: single nucleotide variant.
Coding change: c.227A>G on transcript NM_176824.3 (MANE Select); coding-DNA position 227, A replaced by G.
Protein change: p.Asn76Ser; replaces asparagine 76 with serine.
Molecular consequence: missense variant.
Genome position (GRCh38, 1-based): chr4:121,861,618, T>C on the plus strand (A>G on the coding strand, the complement: BBS7 is on the minus strand). VCF-style: chr4-121861618-T-C. GRCh37 (hg19) VCF-style: chr4-122782773-T-C.
Other names: c.227A>G, p.Asn76Ser (NM_018190.4); short protein forms N76S.
Identifiers: ClinVar variation 2635994 (VCV002635994.3), dbSNP rs146125296, ClinGen allele CA104731662.